The following is an entry in ClinVar:

ClinVar aggregate classification (germline): Uncertain significance (1 of 4 stars; one submission).

Allele frequency attached by ClinVar (database versions not stated): gnomAD exomes below 0.00001; gnomAD 0.00001.
gnomAD v4.1: 4 of 1,613,902 alleles (0.00025%); highest among the groups gnomAD compares: Admixed American, 0.0033%; no homozygotes.

Submission:

Women's Health and Genetics/Laboratory Corporation of America, LabCorp
Classification: Uncertain significance. Last evaluated: 2021-03-30. Review status: criteria provided, single submitter. Criteria: LabCorp Variant Classification Summary - May 2015. Collection method: clinical testing. Allele origin: germline.
Comment: Variant summary: MYLK c.3985+3G>A alters a conserved nucleotide located close to a canonical splice site and therefore could affect mRNA splicing, leading to a significantly altered protein sequence. 4/4 computational tools predict no significant impact on normal splicing. However, these predictions have yet to be confirmed by functional studies. The variant was absent in 251044 control chromosomes (gnomAD). The available data on variant occurrences in the general population are insufficient to allow any conclusion about variant significance. To our knowledge, no occurrence of c.3985+3G>A in individuals affected with Aortopathy and no experimental evidence demonstrating its impact on protein function have been reported. No clinical diagnostic laboratories have submitted clinical-significance assessments for this variant to ClinVar after 2014. Based on the evidence outlined above, the variant was classified as uncertain significance.

NM_053025.4(MYLK):c.3985+3G>A

Gene: MYLK (myosin light chain kinase; minus strand). Cytogenetic location: 3q21.1.
Variant type: single nucleotide variant.
Coding change: c.3985+3G>A on transcript NM_053025.4 (MANE Select); 3 bases into the intron after coding-DNA position 3985, G replaced by A.
Molecular consequence: intron variant.
Genome position (GRCh38, 1-based): chr3:123,664,102, C>T on the plus strand (G>A on the coding strand, the complement: MYLK is on the minus strand). VCF-style: chr3-123664102-C-T. GRCh37 (hg19) VCF-style: chr3-123382949-C-T.
Other names: c.3457+3G>A (NM_001321309.2); c.3778+3G>A (NM_053028.4, NM_053026.4); c.3985+3G>A (NM_053027.4).
Identifiers: ClinVar variation 918165 (VCV000918165.2), dbSNP rs2059656037, ClinGen allele CA435299860.